The following is an entry in ClinVar:

NM_001845.6(COL4A1):c.1756G>T (p.Gly586Cys)

Gene: COL4A1 (collagen type IV alpha 1 chain; minus strand). Cytogenetic location: 13q34.
Variant type: single nucleotide variant.
Coding change: c.1756G>T on transcript NM_001845.6 (MANE Select); coding-DNA position 1756, G replaced by T.
Protein change: p.Gly586Cys; replaces glycine 586 with cysteine.
Molecular consequence: missense variant.
Genome position (GRCh38, 1-based): chr13:110,186,526, C>A on the plus strand (G>T on the coding strand, the complement: COL4A1 is on the minus strand). VCF-style: chr13-110186526-C-A. GRCh37 (hg19) VCF-style: chr13-110838873-C-A.
Other names: short protein forms G586C.
Identifiers: ClinVar variation 4849965 (VCV004849965.1).

ClinVar aggregate classification (germline): Likely pathogenic (1 of 4 stars; one submission).

Conditions:
Brain small vessel disease 1 with or without ocular anomalies (BSVD1). Also called: BRAIN SMALL VESSEL DISEASE WITH HEMORRHAGE; GOULD SYNDROME 1; Brain small vessel disease with or without ocular anomalies; PORENCEPHALY, TYPE 1, AUTOSOMAL DOMINANT. Identifiers: Orphanet 2940, Orphanet 36383, Orphanet 99810, MedGen C4755307, MONDO:0008289, OMIM 175780.

Submission:

Variantyx, Inc.
Classification: Likely pathogenic for Brain small vessel disease 1 with or without ocular anomalies. Last evaluated: 2025-07-24. Review status: criteria provided, single submitter. Criteria: Variantyx Assertion Criteria 2022. Collection method: clinical testing. Allele origin: de novo. Inheritance: Autosomal dominant inheritance. Affected: yes.
Comment: This is a nonsynonymous variant in the COL4A1 gene (OMIM: 120130). Pathogenic variants in this gene have been associated with autosomal dominant brain small vessel disease 1 with or without ocular anomalies. The alteration lies within a known hotspot for pathogenic variants or a well-established critical functional domain of the COL4A1 protein (PMID: 22914737) (PM1) and multiple computational algorithms predict a deleterious effect for this variant (REVEL score: 0.979) (PP3). This variant is absent from control populations (PM2) and it has not been reported in individuals with COL4A1-related disorders in the databases available for review. Based on the current evidence, this variant is classified as likely pathogenic for autosomal dominant brain small vessel disease 1 with or without ocular anomalies.

Literature cited by the submitters: PubMed 22914737.